The following is an entry in ClinVar:

NM_003151.4(STAT4):c.931C>T (p.Leu311Phe)

Gene: STAT4 (signal transducer and activator of transcription 4; minus strand). Cytogenetic location: 2q32.2.
Variant type: single nucleotide variant.
Coding change: c.931C>T on transcript NM_003151.4 (MANE Select); coding-DNA position 931, C replaced by T.
Protein change: p.Leu311Phe; replaces leucine 311 with phenylalanine.
Molecular consequence: missense variant.
Genome position (GRCh38, 1-based): chr2:191,062,772, G>A on the plus strand (C>T on the coding strand, the complement: STAT4 is on the minus strand). VCF-style: chr2-191062772-G-A. GRCh37 (hg19) VCF-style: chr2-191927498-G-A.
Other names: c.931C>T, p.Leu311Phe (NM_001243835.2); short protein forms L311F.
Identifiers: ClinVar variation 1499474 (VCV001499474.6), dbSNP rs749227253, ClinGen allele CA2030754.
Genomic context (GRCh38, chr2:191,062,772, plus strand): 5'-GTGTTCTTACTTCACAGAATGGAGGATGCCATTGATAGCACTTCACTTACTTCTTGAAAA[G>A]GTTGTAGATCAAGAAGGTGACTCTTTCTAGCATGTGAGTTCTTTGCATTGGAATGGGATC-3'
Protein context (NP_003142.1, residues 301-321): LERVTFLIYN[Leu311Phe]FKNSFVVERQ

ClinVar aggregate classification (germline): Uncertain significance (1 of 4 stars; one submission).

Allele frequency attached by ClinVar (database versions not stated): gnomAD 0.00001.

Submission:

Labcorp Genetics (formerly Invitae), Labcorp
Classification: Uncertain significance. Last evaluated: 2025-11-18. Review status: criteria provided, single submitter. Criteria: Invitae Variant Classification Sherloc (09022015). Collection method: clinical testing. Allele origin: germline.
Comment: This sequence change replaces leucine, which is neutral and non-polar, with phenylalanine, which is neutral and non-polar, at codon 311 of the STAT4 protein (p.Leu311Phe). The frequency data for this variant in the population databases is considered unreliable, as metrics indicate poor data quality at this position in the gnomAD database. This variant has not been reported in the literature in individuals affected with STAT4-related conditions. ClinVar contains an entry for this variant (Variation ID: 1499474). Invitae Evidence Modeling of protein sequence and biophysical properties (such as structural, functional, and spatial information, amino acid conservation, physicochemical variation, residue mobility, and thermodynamic stability) indicates that this missense variant is not expected to disrupt STAT4 protein function with a negative predictive value of 80%. In summary, the available evidence is currently insufficient to determine the role of this variant in disease. Therefore, it has been classified as a Variant of Uncertain Significance.